The following is an entry in ClinVar:

NM_138927.4(SON):c.5569C>T (p.His1857Tyr)

Gene: SON (SON DNA and RNA binding protein; plus strand). Cytogenetic location: 21q22.11.
Variant type: single nucleotide variant.
Coding change: c.5569C>T on transcript NM_138927.4 (MANE Select); coding-DNA position 5569, C replaced by T.
Protein change: p.His1857Tyr; replaces histidine 1857 with tyrosine.
Molecular consequence: missense variant. On other transcripts: non-coding transcript variant (1), intron variant (1).
Genome position (GRCh38, 1-based): chr21:33,554,800, C>T. VCF-style: chr21-33554800-C-T. GRCh37 (hg19) VCF-style: chr21-34927106-C-T.
Other names: c.5569C>T, p.His1857Tyr (NM_001291411.2, NM_001412133.1, NM_032195.3 and 2 more transcripts); c.245-2356C>T (NM_001291412.3); short protein forms H1857Y.
Identifiers: ClinVar variation 2779240 (VCV002779240.3), dbSNP rs1328817515, ClinGen allele CA410165082.

ClinVar aggregate classification (germline): Uncertain significance (1 of 4 stars; one submission).

Allele frequency attached by ClinVar (database versions not stated): gnomAD exomes below 0.00001; gnomAD 0.00001; TOPMed 0.00002.
gnomAD v4.1: 9 of 1,613,796 alleles (0.00056%); highest among the groups gnomAD compares: African/African-American, 0.008%; no homozygotes.

Submission:

Labcorp Genetics (formerly Invitae), Labcorp
Classification: Uncertain significance. Last evaluated: 2024-01-31. Review status: criteria provided, single submitter. Criteria: Invitae Variant Classification Sherloc (09022015). Collection method: clinical testing. Allele origin: germline.
Comment: This sequence change replaces histidine, which is basic and polar, with tyrosine, which is neutral and polar, at codon 1857 of the SON protein (p.His1857Tyr). This variant is present in population databases (no rsID available, gnomAD 0.008%). This variant has not been reported in the literature in individuals affected with SON-related conditions. Experimental studies and prediction algorithms are not available or were not evaluated, and the functional significance of this variant is currently unknown. In summary, the available evidence is currently insufficient to determine the role of this variant in disease. Therefore, it has been classified as a Variant of Uncertain Significance.